The following is an entry in ClinVar:

ClinVar aggregate classification (germline): Uncertain significance (1 of 4 stars; one submission).

gnomAD v4.1: 2 of 1,614,240 alleles (0.00012%); highest among the groups gnomAD compares: Non-Finnish European, 0.00017%; no homozygotes.

Submission:

Labcorp Genetics (formerly Invitae), Labcorp
Classification: Uncertain significance. Last evaluated: 2022-11-29. Review status: criteria provided, single submitter. Criteria: Invitae Variant Classification Sherloc (09022015). Collection method: clinical testing. Allele origin: germline.
Comment: This sequence change replaces asparagine, which is neutral and polar, with lysine, which is basic and polar, at codon 1406 of the COL2A1 protein (p.Asn1406Lys). This variant is not present in population databases (gnomAD no frequency). In summary, the available evidence is currently insufficient to determine the role of this variant in disease. Therefore, it has been classified as a Variant of Uncertain Significance. Advanced modeling of protein sequence and biophysical properties (such as structural, functional, and spatial information, amino acid conservation, physicochemical variation, residue mobility, and thermodynamic stability) has been performed at Invitae for this missense variant, however the output from this modeling did not meet the statistical confidence thresholds required to predict the impact of this variant on COL2A1 protein function. This variant has not been reported in the literature in individuals affected with COL2A1-related conditions.

NM_001844.5(COL2A1):c.4218C>A (p.Asn1406Lys)

Gene: COL2A1 (collagen type II alpha 1 chain; minus strand). Cytogenetic location: 12q13.11.
Variant type: single nucleotide variant.
Coding change: c.4218C>A on transcript NM_001844.5 (MANE Select); coding-DNA position 4218, C replaced by A.
Protein change: p.Asn1406Lys; replaces asparagine 1406 with lysine.
Molecular consequence: missense variant.
Genome position (GRCh38, 1-based): chr12:47,974,188, G>T on the plus strand (C>A on the coding strand, the complement: COL2A1 is on the minus strand). VCF-style: chr12-47974188-G-T. GRCh37 (hg19) VCF-style: chr12-48367971-G-T.
Other names: c.4011C>A, p.Asn1337Lys (NM_033150.3); short protein forms N1406K, N1337K.
Identifiers: ClinVar variation 1937809 (VCV001937809.5), dbSNP rs2540094795, ClinGen allele CA384533604.